The following is an entry in ClinVar:

NM_001357.5(DHX9):c.1445C>T (p.Pro482Leu)

Gene: DHX9 (DExH-box helicase 9; plus strand). Cytogenetic location: 1q25.3.
Variant type: single nucleotide variant.
Coding change: c.1445C>T on transcript NM_001357.5 (MANE Select); coding-DNA position 1445, C replaced by T.
Protein change: p.Pro482Leu; replaces proline 482 with leucine.
Molecular consequence: missense variant. On other transcripts: non-coding transcript variant (1).
Genome position (GRCh38, 1-based): chr1:182,866,556, C>T. VCF-style: chr1-182866556-C-T. GRCh37 (hg19) VCF-style: chr1-182835691-C-T.
Other names: short protein forms P482L.
Identifiers: ClinVar variation 3252975 (VCV003252975.2), dbSNP rs2526399892.

ClinVar aggregate classification (germline): Uncertain significance (1 of 4 stars; one submission).

Submission:

GeneDx
Classification: Uncertain significance. Last evaluated: 2025-06-04. Review status: criteria provided, single submitter. Criteria: GeneDx Variant Classification Process June 2021. Collection method: clinical testing. Allele origin: germline.
Comment: Not observed at significant frequency in large population cohorts (gnomAD); In silico analysis supports that this missense variant has a deleterious effect on protein structure/function; Has not been previously published as pathogenic or benign to our knowledge